The following is an entry in ClinVar:

NM_001330288.2(SMARCC2):c.1015C>G (p.Leu339Val)

Gene: SMARCC2 (SWI/SNF related BAF chromatin remodeling complex subunit C2; minus strand). Cytogenetic location: 12q13.2.
Variant type: single nucleotide variant.
Coding change: c.1015C>G on transcript NM_001330288.2 (MANE Select); coding-DNA position 1015, C replaced by G.
Protein change: p.Leu339Val; replaces leucine 339 with valine.
Molecular consequence: missense variant.
Genome position (GRCh38, 1-based): chr12:56,181,043, G>C on the plus strand (C>G on the coding strand, the complement: SMARCC2 is on the minus strand). VCF-style: chr12-56181043-G-C. GRCh37 (hg19) VCF-style: chr12-56574827-G-C.
Other names: c.1015C>G, p.Leu339Val (NM_001130420.3, NM_003075.5, NM_139067.4); c.1015C>G (NM_003075.4); short protein forms L339V.
Identifiers: ClinVar variation 2643084 (VCV002643084.25), dbSNP rs143026086, ClinGen allele CA6626212.

ClinVar aggregate classification (germline): Likely benign. Review status: criteria provided, single submitter (1 of 4 stars). 2 submissions from 2 submitters: Likely benign (1). 1 of the submissions does not count toward it. Last evaluated 2022-11-01.

Conditions:
SMARCC2-related disorder. Also called: SMARCC2-related condition.

Allele frequency attached by ClinVar (database versions not stated): TOPMed 0.00004; gnomAD 0.00007; gnomAD exomes 0.00011; ESP Exome Variant Server 0.00015; ExAC 0.00021.
gnomAD v4.1: 180 of 1,613,978 alleles (0.011%); highest among the groups gnomAD compares: Middle Eastern, 0.16%; no homozygotes.

Submissions (2):

CeGaT Center for Human Genetics Tuebingen
Classification: Likely benign. Last evaluated: 2022-11-01. Review status: criteria provided, single submitter. Criteria: CeGaT Center For Human Genetics Tuebingen Variant Classification Criteria Version 2. Collection method: clinical testing. Allele origin: germline. Affected: yes. Observed: 1 variant allele.
Comment: SMARCC2: PP2, BS1

PreventionGenetics, part of Exact Sciences
Classification: Likely benign for SMARCC2-related condition. Last evaluated: 2019-02-20. Review status: no assertion criteria provided. Collection method: clinical testing. Allele origin: germline. Not counted in ClinVar's aggregate classification.
Comment: This variant is classified as likely benign based on ACMG/AMP sequence variant interpretation guidelines (Richards et al. 2015 PMID: 25741868, with internal and published modifications).